The following is an entry in ClinVar:

NM_004836.7(EIF2AK3):c.3095C>G (p.Thr1032Ser)

Genes: EIF2AK3 (eukaryotic translation initiation factor 2 alpha kinase 3; minus strand), EIF2AK3-AS1 (EIF2AK3 antisense RNA 1; plus strand). Cytogenetic location: 2p11.2.
Variant type: single nucleotide variant.
Coding change: c.3095C>G on transcript NM_004836.7 (MANE Select); coding-DNA position 3095, C replaced by G.
Protein change: p.Thr1032Ser; replaces threonine 1032 with serine.
Molecular consequence: missense variant.
Genome position (GRCh38, 1-based): chr2:88,558,972, G>C on the plus strand (C>G on the coding strand, the complement: EIF2AK3 is on the minus strand). VCF-style: chr2-88558972-G-C. GRCh37 (hg19) VCF-style: chr2-88858490-G-C.
Other names: c.2642C>G, p.Thr881Ser (NM_001313915.2); short protein forms T1032S, T881S.
Identifiers: ClinVar variation 1028303 (VCV001028303.2), dbSNP rs755369984, ClinGen allele CA347584433.

ClinVar aggregate classification (germline): Uncertain significance. Review status: criteria provided, multiple submitters, no conflicts (2 of 4 stars). 2 submissions from 2 submitters: Uncertain significance (2). Last evaluated 2021-10-23.

Conditions:
Wolcott-Rallison dysplasia. Also called: MED-IDDM SYNDROME; Wolcott-Rallison syndrome. Identifiers: Orphanet 1667, MedGen C0432217, MONDO:0009192, OMIM 226980.

Allele frequency attached by ClinVar (database versions not stated): gnomAD exomes below 0.00001.
gnomAD v4.1: 1 of 1,592,736 alleles (0.000063%); highest among the groups gnomAD compares: Non-Finnish European, 0.000086%; no homozygotes.

Submissions (2):

Fulgent Genetics
Classification: Uncertain significance for Wolcott-Rallison dysplasia. Last evaluated: 2021-10-23. Review status: criteria provided, single submitter. Criteria: ACMG Guidelines, 2015. Collection method: clinical testing. Allele origin: unknown.

Baylor Genetics
Classification: Uncertain significance for Wolcott-Rallison dysplasia. Last evaluated: 2019-05-30. Review status: criteria provided, single submitter. Criteria: ACMG Guidelines, 2015. Collection method: clinical testing. Allele origin: unknown. Affected: yes.
Comment: This variant was determined to be of uncertain significance according to ACMG Guidelines, 2015 [PMID:25741868].